The following is an entry in ClinVar:

NM_001029883.3(PCARE):c.3506C>G (p.Pro1169Arg)

Gene: PCARE (photoreceptor cilium actin regulator; minus strand). Cytogenetic location: 2p23.2.
Variant type: single nucleotide variant.
Coding change: c.3506C>G on transcript NM_001029883.3 (MANE Select); coding-DNA position 3506, C replaced by G.
Protein change: p.Pro1169Arg; replaces proline 1169 with arginine.
Molecular consequence: missense variant.
Genome position (GRCh38, 1-based): chr2:29,070,756, G>C on the plus strand (C>G on the coding strand, the complement: PCARE is on the minus strand). VCF-style: chr2-29070756-G-C. GRCh37 (hg19) VCF-style: chr2-29293622-G-C.
Other names: short protein forms P1169R.
Identifiers: ClinVar variation 1466183 (VCV001466183.6), dbSNP rs2148414787, ClinGen allele CA346474721.

ClinVar aggregate classification (germline): Uncertain significance (1 of 4 stars; one submission).

Submission:

Labcorp Genetics (formerly Invitae), Labcorp
Classification: Uncertain significance. Last evaluated: 2021-11-23. Review status: criteria provided, single submitter. Criteria: Invitae Variant Classification Sherloc (09022015). Collection method: clinical testing. Allele origin: germline.
Comment: In summary, the available evidence is currently insufficient to determine the role of this variant in disease. Therefore, it has been classified as a Variant of Uncertain Significance. Algorithms developed to predict the effect of missense changes on protein structure and function are either unavailable or do not agree on the potential impact of this missense change (SIFT: "Tolerated"; PolyPhen-2: "Possibly Damaging"; Align-GVGD: "Class C0"). This variant has not been reported in the literature in individuals affected with PCARE-related conditions. This variant is not present in population databases (gnomAD no frequency). This sequence change replaces proline, which is neutral and non-polar, with arginine, which is basic and polar, at codon 1169 of the PCARE protein (p.Pro1169Arg).